The following is an entry in ClinVar:

ClinVar aggregate classification (germline): Likely benign (1 of 4 stars; one submission).

Conditions:
Leigh syndrome (NULS). Also called: Leigh's necrotizing encephalopathy; Leigh's disease; Leigh's syndrome; LEIGH SYNDROME, NUCLEAR; Leigh Syndrome (mtDNA deletion); Leigh Disease. Identifiers: Orphanet 506, MedGen C2931891, MONDO:0009723, OMIM 256000.

Submission:

Wong Mito Lab, Molecular and Human Genetics, Baylor College of Medicine
Classification: Likely benign for Leigh syndrome. Last evaluated: 2019-10-17. Review status: criteria provided, single submitter. Criteria: Modified ACMG Guidelines (Unpublished). Collection method: clinical testing. Allele origin: germline.
Comment: The NC_012920.1:m.14334C>T (YP_003024037.1:p.Val114Ile) variant in MTND6 gene is interpretated to be a Likely Benign variant based on the modified ACMG guidelines (unpublished). This variant meets the following evidence codes: BS1, BP4, BP6

NC_012920.1(MT-ND6):m.14334C>T

Gene: MT-ND6 (mitochondrially encoded NADH dehydrogenase 6; minus strand).
Variant type: single nucleotide variant.
Genome position: chrM-14334-C-T.
Identifiers: ClinVar variation 693711 (VCV000693711.1), dbSNP rs1603224679, ClinGen allele CA414821999.